The following is an entry in ClinVar:

ClinVar aggregate classification (germline): Uncertain significance. Review status: criteria provided, multiple submitters, no conflicts (2 of 4 stars). 4 submissions from 4 submitters: Uncertain significance (3). 1 of the submissions does not count toward it. Last evaluated 2025-08-14.

Conditions:
MYO18B-related disorder. Also called: MYO18B-related condition.
Inborn genetic diseases. Identifiers: MedGen C0950123, MeSH D030342.

Allele frequency attached by ClinVar (database versions not stated): gnomAD exomes 0.00004; ExAC 0.00007; TOPMed 0.00009; gnomAD 0.00011; 1000 Genomes Project 30x 0.00016; 1000 Genomes Project 0.00020.
gnomAD v4.1: 114 of 1,605,806 alleles (0.0071%); highest among the groups gnomAD compares: East Asian, 0.016%; no homozygotes.

Submissions (4):

Ambry Genetics
Classification: Uncertain significance for Inborn genetic diseases. Last evaluated: 2025-08-14. Review status: criteria provided, single submitter. Criteria: Ambry Variant Classification Scheme 2023. Collection method: clinical testing. Allele origin: germline.

Blueprint Genetics
Classification: Uncertain significance. Last evaluated: 2024-07-30. Review status: criteria provided, single submitter. Criteria: ACMG Guidelines, 2015. Collection method: clinical testing. Allele origin: germline.

Labcorp Genetics (formerly Invitae), Labcorp
Classification: Uncertain significance. Last evaluated: 2022-06-29. Review status: criteria provided, single submitter. Criteria: Invitae Variant Classification Sherloc (09022015). Collection method: clinical testing. Allele origin: germline.
Comment: This sequence change replaces arginine, which is basic and polar, with cysteine, which is neutral and slightly polar, at codon 730 of the MYO18B protein (p.Arg730Cys). This variant is present in population databases (rs566950878, gnomAD 0.02%). This variant has not been reported in the literature in individuals affected with MYO18B-related conditions. Algorithms developed to predict the effect of missense changes on protein structure and function are either unavailable or do not agree on the potential impact of this missense change (SIFT: "Not Available"; PolyPhen-2: "Possibly Damaging"; Align-GVGD: "Not Available"). In summary, the available evidence is currently insufficient to determine the role of this variant in disease. Therefore, it has been classified as a Variant of Uncertain Significance.

PreventionGenetics, part of Exact Sciences
Classification: Uncertain significance for MYO18B-related condition. Last evaluated: 2024-02-21. Review status: no assertion criteria provided. Collection method: clinical testing. Allele origin: germline. Not counted in ClinVar's aggregate classification.
Comment: The MYO18B c.2188C>T variant is predicted to result in the amino acid substitution p.Arg730Cys. To our knowledge, this variant has not been reported in the literature. This variant is reported in 0.021% of alleles in individuals of East Asian descent in gnomAD. At this time, the clinical significance of this variant is uncertain due to the absence of conclusive functional and genetic evidence.

NM_032608.7(MYO18B):c.2188C>T (p.Arg730Cys)

Gene: MYO18B (myosin XVIIIB; plus strand). Cytogenetic location: 22q12.1.
Variant type: single nucleotide variant.
Coding change: c.2188C>T on transcript NM_032608.7 (MANE Select); coding-DNA position 2188, C replaced by T.
Protein change: p.Arg730Cys; replaces arginine 730 with cysteine.
Molecular consequence: missense variant.
Genome position (GRCh38, 1-based): chr22:25,780,175, C>T. VCF-style: chr22-25780175-C-T. GRCh37 (hg19) VCF-style: chr22-26176142-C-T.
Other names: c.2188C>T (NM_032608.6, NM_032608.5); c.2188C>T, p.Arg730Cys (NM_001318245.2); short protein forms R730C.
Identifiers: ClinVar variation 1418918 (VCV001418918.8), dbSNP rs566950878, ClinGen allele CA10160075.